The following is an entry in ClinVar:

ClinVar aggregate classification (germline): Uncertain significance. Review status: criteria provided, multiple submitters, no conflicts (2 of 4 stars). 6 submissions from 6 submitters: Uncertain significance (5). 1 of the submissions does not count toward it. Last evaluated 2025-06-14.

Conditions:
Hereditary cancer-predisposing syndrome. Also called: Tumor predisposition; Neoplastic Syndromes, Hereditary; Hereditary Cancer Syndrome; Hereditary neoplastic syndrome. Identifiers: Orphanet 140162, MedGen C0027672, MeSH D009386, MONDO:0015356.
Fanconi anemia complementation group J. Also called: BRIP1-Related Fanconi Anemia. Identifiers: Orphanet 84, MedGen C1836860, MONDO:0012187, OMIM 609054.
Familial cancer of breast. Also called: BREAST CANCER, FAMILIAL; Hereditary breast cancer; hereditary breast carcinoma. Identifiers: Orphanet 227535, MedGen C0346153, MONDO:0016419, OMIM 114480. Disease mechanism: loss of function.
Hereditary breast ovarian cancer syndrome. Also called: Hereditary breast and ovarian cancer; Breast and ovarian cancer; Hereditary breast and/or ovarian cancer syndrome; Hereditary breast and ovarian cancer syndrome (HBOC); BRCA1- and BRCA2-Associated Hereditary Breast and Ovarian Cancer; Hereditary breast and ovarian cancer syndrome. Identifiers: Orphanet 145, MedGen C0677776, MeSH D061325, MONDO:0003582. Disease mechanism: loss of function.

Allele frequency attached by ClinVar (database versions not stated): TOPMed below 0.00001.

Submissions (6):

Labcorp Genetics (formerly Invitae), Labcorp
Classification: Uncertain significance for Familial cancer of breast; Fanconi anemia complementation group J. Last evaluated: 2025-06-14. Review status: criteria provided, single submitter. Criteria: Invitae Variant Classification Sherloc (09022015). Collection method: clinical testing. Allele origin: germline.
Comment: This sequence change replaces leucine, which is neutral and non-polar, with proline, which is neutral and non-polar, at codon 844 of the BRIP1 protein (p.Leu844Pro). This variant is not present in population databases (gnomAD no frequency). This variant has not been reported in the literature in individuals affected with BRIP1-related conditions. ClinVar contains an entry for this variant (Variation ID: 479415). Invitae Evidence Modeling of protein sequence and biophysical properties (such as structural, functional, and spatial information, amino acid conservation, physicochemical variation, residue mobility, and thermodynamic stability) indicates that this missense variant is expected to disrupt BRIP1 protein function with a positive predictive value of 95%. In summary, the available evidence is currently insufficient to determine the role of this variant in disease. Therefore, it has been classified as a Variant of Uncertain Significance.

Color Diagnostics, LLC DBA Color Health
Classification: Uncertain significance for Hereditary cancer-predisposing syndrome. Last evaluated: 2021-04-14. Review status: criteria provided, single submitter. Criteria: ACMG Guidelines, 2015. Collection method: clinical testing. Allele origin: germline.
Comment: This missense variant replaces leucine with proline at codon 844 of the BRIP1 protein. Computational prediction suggests that this variant may have deleterious impact on protein structure and function (internally defined REVEL score threshold >= 0.7, PMID: 27666373). To our knowledge, functional studies have not been reported for this variant. This variant has not been reported in individuals affected with hereditary cancer in the literature. This variant has not been identified in the general population by the Genome Aggregation Database (gnomAD). The available evidence is insufficient to determine the role of this variant in disease conclusively. Therefore, this variant is classified as a Variant of Uncertain Significance.

Cancer Genomics Group, Japanese Foundation For Cancer Research
Classification: Uncertain significance for Hereditary breast and ovarian cancer syndrome. Last evaluated: 2019-05-01. Review status: criteria provided, single submitter. Criteria: ACMG Guidelines, 2015. Collection method: research. Allele origin: germline. Affected: yes.

Ambry Genetics
Classification: Uncertain significance for Hereditary cancer-predisposing syndrome. Last evaluated: 2016-01-21. Review status: criteria provided, single submitter. Criteria: Ambry Variant Classification Scheme 2023. Collection method: clinical testing. Allele origin: germline.
Comment: The p.L844P variant (also known as c.2531T>C), located in coding exon 17 of the BRIP1 gene, results from a T to C substitution at nucleotide position 2531. The leucine at codon 844 is replaced by proline, an amino acid with similar properties. This variant was not reported in population based cohorts in the following databases: Database of Single Nucleotide Polymorphisms (dbSNP), NHLBI Exome Sequencing Project (ESP), and 1000 Genomes Project. In the ESP, this variant was not observed in 6502 samples (13004 alleles) with coverage at this position. To date, this alteration has been detected with an allele frequency of approximately 0.001% (greater than 120000 alleles tested) in our clinical cohort. This amino acid position is highly conserved in available vertebrate species. In addition, this alteration is predicted to be deleterious by in silico analysis. Since supporting evidence is limited at this time, the clinical significance of this alteration remains unclear.

Kasturba Medical College, Manipal, Kasturba Medical College, Manipal, Manipal Academy of Higher Education, Manipal, India
Classification: Uncertain significance for Fanconi anemia complementation group J. Review status: criteria provided, single submitter. Criteria: ACMG Guidelines, 2015. Collection method: research. Allele origin: biparental. Inheritance: Autosomal recessive inheritance. Affected: yes. Observed: 1 homozygote.
Comment: This variant is not observed in the gnomAD (v4.1.0) population database and our in-house database of 3928 individuals. In silico prediction tools (CADD_Phred and REVEL) are consistent in predicting the variant to be damaging to BRIP1 protein function. SpliceAI predicts this variant to cause aberrant splicing [(SpliceAI- 0.37 (Donor gain); 0.28 (Acceptor gain)].

Leiden Open Variation Database
Classification: Uncertain significance. Last evaluated: 2019-08-13. Review status: no assertion criteria provided. Collection method: curation. Allele origin: germline. Affected: yes. Not counted in ClinVar's aggregate classification.
Comment: Curator: Arleen D. Auerbach. Submitter to LOVD: Yukihide Momozawa.

Literature cited by the submitters: PubMed 31214711 (cited by Leiden Open Variation Database).

NM_032043.3(BRIP1):c.2531T>C (p.Leu844Pro)

Gene: BRIP1 (BRCA1 interacting DNA helicase 1; minus strand). Cytogenetic location: 17q23.2.
Variant type: single nucleotide variant.
Coding change: c.2531T>C on transcript NM_032043.3 (MANE Select); coding-DNA position 2531, T replaced by C.
Protein change: p.Leu844Pro; replaces leucine 844 with proline.
Molecular consequence: missense variant.
Genome position (GRCh38, 1-based): chr17:61,693,474, A>G on the plus strand (T>C on the coding strand, the complement: BRIP1 is on the minus strand). VCF-style: chr17-61693474-A-G. GRCh37 (hg19) VCF-style: chr17-59770835-A-G.
Other names: short protein forms L844P.
Identifiers: ClinVar variation 479415 (VCV000479415.12), dbSNP rs1555574776, ClinGen allele CA400482427.